The following is an entry in ClinVar:

ClinVar aggregate classification (germline): Pathogenic/Likely pathogenic. Review status: criteria provided, multiple submitters, no conflicts (2 of 4 stars). 3 submissions from 3 submitters: Pathogenic (1); Likely pathogenic (1). 1 of the submissions does not count toward it. Last evaluated 2025-04-30.

Conditions:
Early-infantile DEE. Also called: Early infantile epileptic encephalopathy; Early infantile epileptic encephalopathy with suppression bursts; Ohtahara syndrome. Identifiers: Orphanet 1934, MedGen C0393706, MONDO:0800491.
Severe myoclonic epilepsy in infancy (DRVT). Also called: SEVERE MYOCLONIC EPILEPSY OF INFANCY; DEVELOPMENTAL AND EPILEPTIC ENCEPHALOPATHY 6A; Severe Myoclonic Epilepsy in Infancy (SMEI); Dravet syndrome; Epileptic encephalopathy, early infantile, 6 (Dravet syndrome). Identifiers: Orphanet 33069, MedGen C0751122, MONDO:0100135, OMIM 607208.

Allele frequency attached by ClinVar (database versions not stated): gnomAD exomes below 0.00001 and 0.00001.
gnomAD v4.1: 7 of 1,611,330 alleles (0.00043%); highest among the groups gnomAD compares: Non-Finnish European, 0.00059%; no homozygotes.

Submissions (3):

Labcorp Genetics (formerly Invitae), Labcorp
Classification: Pathogenic for Early-infantile DEE. Last evaluated: 2025-04-30. Review status: criteria provided, single submitter. Criteria: Invitae Variant Classification Sherloc (09022015). Collection method: clinical testing. Allele origin: germline.
Comment: This sequence change replaces tyrosine, which is neutral and polar, with cysteine, which is neutral and slightly polar, at codon 1422 of the SCN1A protein (p.Tyr1422Cys). This variant is present in population databases (rs121917913, gnomAD 0.0009%). This missense change has been observed in individual(s) with SCN1A-related conditions (PMID: 17054684). In at least one individual the variant was observed to be de novo. ClinVar contains an entry for this variant (Variation ID: 68540). Invitae Evidence Modeling of protein sequence and biophysical properties (such as structural, functional, and spatial information, amino acid conservation, physicochemical variation, residue mobility, and thermodynamic stability) indicates that this missense variant is expected to disrupt SCN1A protein function with a positive predictive value of 95%. For these reasons, this variant has been classified as Pathogenic.

GeneDx
Classification: Likely pathogenic. Last evaluated: 2024-07-09. Review status: criteria provided, single submitter. Criteria: GeneDx Variant Classification Process June 2021. Collection method: clinical testing. Allele origin: germline. Affected: yes.
Comment: Not observed at significant frequency in large population cohorts (gnomAD); In silico analysis supports that this missense variant has a deleterious effect on protein structure/function; This variant is associated with the following publications: (PMID: 18804930, 17054684, 38539105)

UniProtKB/Swiss-Prot
No classification provided. Condition: Severe myoclonic epilepsy in infancy. Review status: no classification provided. Collection method: not provided. Allele origin: unknown. Not counted in ClinVar's aggregate classification.

Literature cited by the submitters: PubMed 17054684 (cited by Labcorp Genetics (formerly Invitae), Labcorp).

NM_001165963.4(SCN1A):c.4265A>G (p.Tyr1422Cys)

Genes: SCN1A (sodium voltage-gated channel alpha subunit 1; minus strand), LOC102724058 (uncharacterized LOC102724058; plus strand). Cytogenetic location: 2q24.3.
Variant type: single nucleotide variant.
Coding change: c.4265A>G on transcript NM_001165963.4 (MANE Select); coding-DNA position 4265, A replaced by G.
Protein change: p.Tyr1422Cys; replaces tyrosine 1422 with cysteine.
Molecular consequence: missense variant. On other transcripts: non-coding transcript variant (1).
Genome position (GRCh38, 1-based): chr2:166,002,491, T>C on the plus strand (A>G on the coding strand, the complement: SCN1A is on the minus strand). VCF-style: chr2-166002491-T-C. GRCh37 (hg19) VCF-style: chr2-166859001-T-C.
Other names: c.4181A>G, p.Tyr1394Cys (NM_001165964.3, NM_001353957.2, NM_001353958.2); c.4265A>G, p.Tyr1422Cys (NM_001202435.3, NM_001353948.2); c.4232A>G, p.Tyr1411Cys (NM_001353949.2, NM_001353950.2, NM_001353951.2 and 2 more transcripts); c.4229A>G, p.Tyr1410Cys (NM_001353954.2, NM_001353955.2); c.4178A>G, p.Tyr1393Cys (NM_001353960.2); c.1823A>G, p.Tyr608Cys (NM_001353961.2); short protein forms Y1411C, Y1422C, Y1393C, Y1410C, Y608C, Y1394C.
Identifiers: ClinVar variation 68540 (VCV000068540.11), dbSNP rs121917913, ClinGen allele CA284949.
Genomic context (GRCh38, chr2:166,002,491, plus strand): 5'-CCAAACAATAAAAATATTCAGAGAAAATAGTGTTCACTTACAACTTGAAGCAAAGAGAGA[T>C]ACCCAAATCCTACATTATCAAAGTTTACTTTCACATTTTTCCATCGAGCAGTCTCATTTC-3'
Protein context (NP_001159435.1, residues 1412-1432): KVNFDNVGFG[Tyr1422Cys]LSLLQVATFK